The following is an entry in ClinVar:

NM_014363.6(SACS):c.6894_6897del (p.Lys2298_Glu2299insTer)

Gene: SACS (sacsin molecular chaperone; minus strand). Cytogenetic location: 13q12.12.
Variant type: Deletion.
Coding change: c.6894_6897del on transcript NM_014363.6 (MANE Select); coding-DNA positions 6894 to 6897, 4 bases deleted (AGAA; older notation c.6894_6897delAGAA).
Protein change: p.Lys2298_Glu2299insTer.
Molecular consequence: frameshift variant.
Genome position (GRCh38, 1-based): chr13:23,336,979-23,336,982, TTCT deleted on the plus strand (AGAA on the coding strand, the reverse complement: SACS is on the minus strand); deleting any 4 consecutive bases within chr13:23,336,979-23,336,985 gives the same sequence; the c. name uses the placement nearest the transcript's 3' end. VCF-style (leftmost placement, unchanged base first): chr13-23336978-CTTCT-C. GRCh37 (hg19) VCF-style: chr13-23911117-CTTCT-C.
Other names: c.6894_6897delAGAA (NM_014363.6); c.6453_6456del, p.Lys2151_Glu2152insTer (NM_001278055.2).
Identifiers: ClinVar variation 2954690 (VCV002954690.5), dbSNP rs2542242530, ClinGen allele CA2622329030.

ClinVar aggregate classification (germline): Pathogenic. Review status: criteria provided, multiple submitters, no conflicts (2 of 4 stars). 3 submissions from 3 submitters: Pathogenic (3). Last evaluated 2025-11-27.

Conditions:
Spastic paraplegia. Identifiers: MedGen C0037772, HP:0001258.
Charlevoix-Saguenay spastic ataxia (SACS). Also called: SPASTIC ATAXIA 6, AUTOSOMAL RECESSIVE; Spastic ataxia of Charlevoix-Saguenay; AUTOSOMAL RECESSIVE SPASTIC ATAXIA OF CHARLEVOIX-SAGUENAY. Identifiers: Orphanet 98, MedGen C1849140, MONDO:0010041, OMIM 270550.

Submissions (3):

Labcorp Genetics (formerly Invitae), Labcorp
Classification: Pathogenic for Spastic paraplegia. Last evaluated: 2025-11-27. Review status: criteria provided, single submitter. Criteria: Invitae Variant Classification Sherloc (09022015). Collection method: clinical testing. Allele origin: germline.
Comment: This sequence change creates a premature translational stop signal (p.Glu2299*) in the SACS gene. While this is not anticipated to result in nonsense mediated decay, it is expected to disrupt the last 2281 amino acid(s) of the SACS protein. This variant is not present in population databases (gnomAD no frequency). This variant has not been reported in the literature in individuals affected with SACS-related conditions. ClinVar contains an entry for this variant (Variation ID: 2954690). This variant disrupts a region of the SACS protein in which other variant(s) (p.Asn4549Asp) have been determined to be pathogenic (PMID: 15156359, 21507954). This suggests that this is a clinically significant region of the protein, and that variants that disrupt it are likely to be disease-causing. For these reasons, this variant has been classified as Pathogenic.

Women's Health and Genetics/Laboratory Corporation of America, LabCorp
Classification: Pathogenic for Charlevoix-Saguenay spastic ataxia. Last evaluated: 2024-09-12. Review status: criteria provided, single submitter. Criteria: LabCorp Variant Classification Summary - May 2015. Collection method: clinical testing. Allele origin: germline.
Comment: Variant summary: SACS c.6894_6897delAGAA (p.Glu2299X) results in a premature termination codon. Although it is not expected to result in nonsense mediated decay, it is predicted to cause a truncation of the encoded protein, which is a commonly known mechanism for disease. The variant was absent in 251076 control chromosomes. To our knowledge, no occurrence of c.6894_6897delAGAA in individuals affected with Autosomal Recessive Spastic Ataxia Of Charlevoix-Saguenay and no experimental evidence demonstrating its impact on protein function have been reported. Multiple downstream nonsense variants have been classified by our laboratory as pathogenic (e.g., p.Arg4036X, p.Gln4054X), indicating that this variant is likely to cause disease. ClinVar contains an entry for this variant (Variation ID: 2954690). Based on the evidence outlined above, the variant was classified as pathogenic.

Baylor Genetics
Classification: Pathogenic for Charlevoix-Saguenay spastic ataxia. Last evaluated: 2024-01-25. Review status: criteria provided, single submitter. Criteria: ACMG Guidelines, 2015. Collection method: clinical testing. Allele origin: unknown.

Literature cited by the submitters: PubMed 15156359 (cited by Labcorp Genetics (formerly Invitae), Labcorp); PubMed 21507954 (cited by Labcorp Genetics (formerly Invitae), Labcorp).